The following is an entry in ClinVar:

NM_000019.4(ACAT1):c.272del (p.Met91fs)

Gene: ACAT1 (acetyl-CoA acetyltransferase 1; plus strand). Cytogenetic location: 11q22.3.
Variant type: Deletion.
Coding change: c.272del on transcript NM_000019.4 (MANE Select); coding-DNA position 272, one base deleted (T; older notation c.272delT).
Protein change: p.Met91fs; shifts the reading frame from methionine 91.
Molecular consequence: frameshift variant. On other transcripts: 5 prime UTR variant (1), initiator codon variant (9), non-coding transcript variant (2), intron variant (1).
Genome position (GRCh38, 1-based): chr11:108,134,254, T deleted. VCF-style (leftmost placement, unchanged base first): chr11-108134253-AT-A. GRCh37 (hg19) VCF-style: chr11-108004980-AT-A.
Other names: c.272del, p.Met91fs (NM_001386677.1); c.-6del (NM_001386679.1); c.2del, p.Met1fs (NM_001386681.1, NM_001386682.1, NM_001386685.1 and 6 more transcripts); c.120+2300del (NM_001386678.1); short protein forms M1fs, M91fs.
Identifiers: ClinVar variation 2003666 (VCV002003666.5), dbSNP rs2496584780, ClinGen allele CA2580082960.
Genomic context (GRCh38, chr11:108,134,253, plus strand): 5'-TTTTTGACTTTTTTTTTTTTTAATAAAGGGATTCCAAAAGAAGAAGTGAAAGAAGCATAC[AT>A]GGGTAATGTTCTACAAGGAGGTGAAGGACAAGCTCCTACAAGGCAGGCAGTATTGGGTGC-3'

ClinVar aggregate classification (germline): Pathogenic (1 of 4 stars; one submission).

Conditions:
Deficiency of acetyl-CoA acetyltransferase. Also called: MITOCHONDRIAL ACETOACETYL-CoA THIOLASE DEFICIENCY; Beta-ketothiolase deficiency; 3-KETOTHIOLASE DEFICIENCY; 3-OXOTHIOLASE DEFICIENCY. Identifiers: Orphanet 134, MedGen C1536500, MONDO:0008760, OMIM 203750. Disease mechanism: loss of function.

Submission:

Labcorp Genetics (formerly Invitae), Labcorp
Classification: Pathogenic for Deficiency of acetyl-CoA acetyltransferase. Last evaluated: 2022-07-21. Review status: criteria provided, single submitter. Criteria: Invitae Variant Classification Sherloc (09022015). Collection method: clinical testing. Allele origin: germline.
Comment: For these reasons, this variant has been classified as Pathogenic. This variant has not been reported in the literature in individuals affected with ACAT1-related conditions. This variant is not present in population databases (gnomAD no frequency). This sequence change creates a premature translational stop signal (p.Met91Argfs*32) in the ACAT1 gene. It is expected to result in an absent or disrupted protein product. Loss-of-function variants in ACAT1 are known to be pathogenic (PMID: 7749408).

Literature cited by the submitters: PubMed 7749408.